The following is an entry in ClinVar:

NM_000180.4(GUCY2D):c.2395_2398dup (p.His800fs)

Gene: GUCY2D (guanylate cyclase 2D, retinal; plus strand). Cytogenetic location: 17p13.1.
Variant type: Duplication.
Coding change: c.2395_2398dup on transcript NM_000180.4 (MANE Select); coding-DNA positions 2395 to 2398, 4 bases duplicated (GACC; older notation c.2395_2398dupGACC).
Protein change: p.His800fs; shifts the reading frame from histidine 800.
Molecular consequence: frameshift variant.
Genome position (GRCh38, 1-based): chr17:8,014,011-8,014,014, GACC duplicated. VCF-style (leftmost placement, unchanged base first): chr17-8014010-G-GGACC. GRCh37 (hg19) VCF-style: chr17-7917328-G-GGACC.
Other names: short protein forms H800fs.
Identifiers: ClinVar variation 939554 (VCV000939554.7), dbSNP rs1975911430, ClinGen allele CA1139664115.

ClinVar aggregate classification (germline): Pathogenic (1 of 4 stars; one submission).

Conditions:
Cone-rod dystrophy 6 (CORD6). Also called: RETINAL CONE DYSTROPHY 2; Cone dystrophy progressive. Identifiers: Orphanet 1872, MedGen C1866293, MONDO:0011143, OMIM 601777.
Leber congenital amaurosis 1 (LCA1). Also called: RETINAL BLINDNESS, CONGENITAL; AMAUROSIS CONGENITA OF LEBER I; Congenital absence of the rods and cones; Leber's congenital tapetoretinal degeneration; Leber's congenital tapetoretinal dysplasia. Identifiers: Orphanet 65, MedGen C2931258, MONDO:0008764, OMIM 204000.

Submission:

Labcorp Genetics (formerly Invitae), Labcorp
Classification: Pathogenic for Leber congenital amaurosis 1; Cone-rod dystrophy 6. Last evaluated: 2020-01-28. Review status: criteria provided, single submitter. Criteria: Invitae Variant Classification Sherloc (09022015). Collection method: clinical testing. Allele origin: germline.
Comment: For these reasons, this variant has been classified as Pathogenic. Loss-of-function variants in GUCY2D are known to be pathogenic (PMID: 10951519, 11328726). This variant has not been reported in the literature in individuals with GUCY2D-related conditions. This variant is not present in population databases (ExAC no frequency). This sequence change creates a premature translational stop signal (p.His800Argfs*20) in the GUCY2D gene. It is expected to result in an absent or disrupted protein product.

Literature cited by the submitters: PubMed 10951519; PubMed 11328726.